The following is an entry in ClinVar:

NM_024079.5(ALG8):c.761dup (p.Pro255fs)

Gene: ALG8 (ALG8 alpha-1,3-glucosyltransferase; minus strand). Cytogenetic location: 11q14.1.
Variant type: Duplication.
Coding change: c.761dup on transcript NM_024079.5 (MANE Select); coding-DNA position 761, one base duplicated (G; older notation c.761dupG).
Protein change: p.Pro255fs; shifts the reading frame from proline 255.
Molecular consequence: frameshift variant.
Genome position (GRCh38, 1-based): chr11:78,113,902, C duplicated on the plus strand (G on the coding strand, the reverse complement: ALG8 is on the minus strand); the first of 3 consecutive C bases (chr11:78,113,902-78,113,904); duplicating any one gives the same sequence. VCF-style (leftmost placement, unchanged base first): chr11-78113901-A-AC. GRCh37 (hg19) VCF-style: chr11-77824947-A-AC.
Other names: c.761dup, p.Pro255fs (NM_001007027.3); short protein forms P255fs.
Identifiers: ClinVar variation 854540 (VCV000854540.8), dbSNP rs968741434, ClinGen allele CA224910324.

ClinVar aggregate classification (germline): Pathogenic/Likely pathogenic. Review status: criteria provided, multiple submitters, no conflicts (2 of 4 stars). 2 submissions from 2 submitters: Pathogenic (1); Likely pathogenic (1). Last evaluated 2022-03-12.

Conditions:
ALG8 congenital disorder of glycosylation. Also called: ALG8-CDG; CONGENITAL DISORDER OF GLYCOSYLATION, TYPE Ih; CDG Ih. Identifiers: Orphanet 79325, MedGen C2931002, MONDO:0011969, OMIM 608104.
Polycystic liver disease 3 with or without kidney cysts. Identifiers: MedGen C4693472, MONDO:0054743, OMIM 617874.

Submissions (2):

Fulgent Genetics
Classification: Likely pathogenic for ALG8 congenital disorder of glycosylation; Polycystic liver disease 3 with or without kidney cysts. Last evaluated: 2022-03-12. Review status: criteria provided, single submitter. Criteria: ACMG Guidelines, 2015. Collection method: clinical testing. Allele origin: unknown.

Labcorp Genetics (formerly Invitae), Labcorp
Classification: Pathogenic for ALG8 congenital disorder of glycosylation. Last evaluated: 2019-03-06. Review status: criteria provided, single submitter. Criteria: Invitae Variant Classification Sherloc (09022015). Collection method: clinical testing. Allele origin: germline.
Comment: For these reasons, this variant has been classified as Pathogenic. Loss-of-function variants in ALG8 are known to be pathogenic (PMID: 19862844). This variant has not been reported in the literature in individuals with ALG8-related conditions. This variant is not present in population databases (ExAC no frequency). This sequence change creates a premature translational stop signal (p.Pro255Serfs*53) in the ALG8 gene. It is expected to result in an absent or disrupted protein product.

Literature cited by the submitters: PubMed 19862844 (cited by Labcorp Genetics (formerly Invitae), Labcorp).